The following is an entry in ClinVar:

ClinVar aggregate classification (germline): Pathogenic/Likely pathogenic. Review status: criteria provided, multiple submitters, no conflicts (2 of 4 stars). 5 submissions from 5 submitters: Pathogenic (1); Likely pathogenic (3). 1 of the submissions does not count toward it. Last evaluated 2025-10-15.

Conditions:
Congenital adrenal hyperplasia. Identifiers: Orphanet 418, MedGen C0001627, MONDO:0018479, HP:0008258.
21-Hydroxylase-Deficient Congenital Adrenal Hyperplasia. Also called: ADRENAL HYPERPLASIA, CONGENITAL, DUE TO 21-HYDROXYLASE DEFICIENCY; ADRENAL HYPERPLASIA III. Identifiers: MedGen C2936858, OMIM 201910.

Allele frequency attached by ClinVar (database versions not stated): 1000 Genomes Project 30x 0.00515; gnomAD exomes 0.00046; gnomAD 0.00251.

Submissions (5):

3billion
Classification: Likely pathogenic for 21-Hydroxylase-Deficient Congenital Adrenal Hyperplasia. Last evaluated: 2025-10-15. Review status: criteria provided, single submitter. Criteria: ACMG Guidelines, 2015. Collection method: clinical testing. Allele origin: germline. Affected: yes.
Comment: The variant is observed in the gnomAD v4.1.0 dataset (total allele frequency: 0.066%). Predicted Consequence/Location: Non coding variant Functional studies provide moderate evidence of the variant having a damaging effect on the gene or gene product (PMID: 17666484). The variant has been reported to be in trans with a pathogenic variant as either compound heterozygous or homozygous in at least 2 similarly affected unrelated individuals (PMID: 30968594, 30995443). The variant has been reported at least twice as pathogenic without evidence for the classification (ClinVar ID: VCV000987867 /PMID: 36975848 /3billion dataset). Therefore, this variant is classified as Likely pathogenic according to the recommendation of ACMG/AMP guideline.

Women's Health and Genetics/Laboratory Corporation of America, LabCorp
Classification: Likely pathogenic for Congenital adrenal hyperplasia. Last evaluated: 2025-08-28. Review status: criteria provided, single submitter. Criteria: LabCorp Variant Classification Summary - May 2015. Collection method: clinical testing. Allele origin: germline.
Comment: Variant summary: CYP21A2 c.-113G>A is located in the untranscribed region upstream of the CYP21A2 gene region. The variant allele was found at a frequency of 0.00066 in 1523414 control chromosomes in the gnomAD database (v4.1 dataset), including 4 (apparent) homozygotes. The variant was predominantly found at a frequency of 0.0049 within the African or African-American subpopulation, which is higher than the estimated maximal expected allele frequency for a pathogenic variant in CYP21A2 causing Congenital adrenal hyperplasia phenotype. However, the CYP21A2 gene and its pseudogene are located in a gene locus that is known to be subject to 'gene dosage variation', therefore these high allele frequencies and apparent homozygous occurrences might be the result of variants located on the same allele. The variant, c.-113G>A, has been reported in the literature, most often in conjunction (i.e. in cis) with other promoter variants (i.e. -126C>T, -110T>C and -103A>G), in compound heterozygous individuals affected with Congenital Adrenal Hyperplasia, including classic and non-classic forms (e.g. Araujo_2007, Jeske_2009, New_2013, Xu C_2019, Xu J_2019, Wan_2023). These data indicate that the variant is very likely to be associated with disease. Homozygous occurrences of two (c.[-126C>T;-113G>A]) or four changes (c.[-126C>T;-113G>A;-110T>C;-103A>G]) segregating together in the promoter region have been reported in multiple individuals affected with non-classic adrenal hyperplasia as well as one hyperandrogenic individual suspected to be homozygous or heterozygous for NC 21-OH deficiency (Blanche_1997, Carriere_2023, Wan_2023). The promoter variants c.-126C>T, c.-113G>A, c.-110T>C, and c.-103A>G are normally present in the CYP21A2 pseudogene (CYP21A1P) promoter region and cause the pseudogene to have considerably lower transcription activity when compared with the active CYP21A2 gene (Chin_1998). Approximately 70% of CYP21A2 disease-causing variants are CYP21A1P-derived variants due to gene conversions, i.e. the transfer of pseudogenic sequences into the active CYP21A2 gene. Experimental evidence evaluating an impact of the c.-113G>A variant in isolation, demonstrated an 80% decrease in transcription activity and a lower binding capacity to nuclear factors (Chin_1998, Araujo_2007). The following publications have been ascertained in the context of this evaluation (PMID: 17666484, 15670187, 32616876, 9385370, 36325983, 9518489, 19449670, 18319307, 23359698, 30811025, 35309130, 33604243, 36167262, 30995443, 30968594). ClinVar contains an entry for this variant (Variation ID: 987867). Based on the evidence outlined above, the variant was classified as likely pathogenic.

Quest Diagnostics Nichols Institute San Juan Capistrano
Classification: Pathogenic. Last evaluated: 2024-02-09. Review status: criteria provided, single submitter. Criteria: Quest Diagnostics criteria. Collection method: clinical testing. Allele origin: unknown.
Comment: The CYP21A2 c.-113G>A variant has been reported in the published literature in individuals with congenital adrenal hyperplasia (CAH) phenotypes, including non-classic CAH (PMIDs: 36167262 (2023), 36325983 (2023), 33604243 (2021), 32616876 (2020), 30811025 (2019), 30968594 (2019), 19449670 (2009), 2335968 (1990), 17666484 (2007)), simple virulizing CAH (PMIDs: 36866166 (2022), 30995443 (2019), 18319307 (2008), 2335968 (1990), 15670187 (2005)), and salt wasting CAH (PMIDs: 36975848 (2023), 35309130 (2022)). In these individuals, it has been seen homozygous (PMIDs: 36975848 (2023), 35309130 (2022)) and compound heterozygous in trans with additional pathogenic CYP21A2 variants (PMIDs: 30968594 (2019), 30995443 (2019), 19449670 (2009), 18319307 (2008), 2335968 (1990), 15670187 (2005), 17666484 (2007)), suggesting this variant is also pathogenic. The c.-113G>A variant is one of multiple 5'-UTR variants that result in a gene conversion event between the functional CYP21A2 gene and its nonfunctional pseudogene (PMIDs: 36167262 (2023), 36866166 (2023), 36325983 (2023), 33604243 (2021), 32616876 (2020), 30995443 (2019)). Functional studies demonstrate this variant and it's associated gene conversion variants significantly reduce transcription activity and proper protein binding (PMIDs: 9518489 (1998), 8544841 (1995), 17666484 (2007)). Based on the available information, this variant is classified as pathogenic.

Juno Genomics, Hangzhou Juno Genomics, Inc
Classification: Likely pathogenic for 21-Hydroxylase-Deficient Congenital Adrenal Hyperplasia. Review status: criteria provided, single submitter. Criteria: ACMG Guidelines, 2015. Collection method: clinical testing. Allele origin: germline. Affected: yes.
Comment: Absent from controls (or at extremely low frequency if recessive) in Genome Aggregation Database, Exome Sequencing Project, 1000 Genomes Project, or Exome Aggregation Consortium.;For recessive disorders, detected in trans with a pathogenic variant.;Patient's phenotype or family history is highly specific for a disease with a single genetic etiology.

Lifecell International Pvt. Ltd
Classification: Likely pathogenic for 21-Hydroxylase-Deficient Congenital Adrenal Hyperplasia. Review status: no assertion criteria provided. Collection method: clinical testing. Allele origin: germline. Inheritance: Autosomal recessive inheritance. Affected: yes. Observed: 1 variant allele, 1 homozygote. Not counted in ClinVar's aggregate classification.
Comment: This variant present in the untranscribed (UTR) region of the CYP21A2 gene c.-113G>A (NM_000500.7). This variant has previously been reported for congenital adrenal hyperplasia (Araujo RS et al., 2007 PMID: 17666484, Jeske YW et al., 2009 PMID: 19449670, Chin kk et al., 1998 PMID: 9518489, Xu C et al., 2019 PMID: 30968594)

Literature cited by the submitters: PubMed 30968594 (cited by 3 submitters); PubMed 17666484 (cited by 3 submitters); PubMed 36975848 (cited by 3billion and Quest Diagnostics Nichols Institute San Juan Capistrano); PubMed 30995443 (cited by 3 submitters); PubMed 9385370 (cited by Women's Health and Genetics/Laboratory Corporation of America, LabCorp); PubMed 15670187 (cited by Women's Health and Genetics/Laboratory Corporation of America, LabCorp and Quest Diagnostics Nichols Institute San Juan Capistrano); PubMed 9518489 (cited by Women's Health and Genetics/Laboratory Corporation of America, LabCorp and Quest Diagnostics Nichols Institute San Juan Capistrano); PubMed 18319307 (cited by Women's Health and Genetics/Laboratory Corporation of America, LabCorp and Quest Diagnostics Nichols Institute San Juan Capistrano); PubMed 32616876 (cited by Women's Health and Genetics/Laboratory Corporation of America, LabCorp and Quest Diagnostics Nichols Institute San Juan Capistrano); PubMed 19449670 (cited by Women's Health and Genetics/Laboratory Corporation of America, LabCorp and Quest Diagnostics Nichols Institute San Juan Capistrano); PubMed 23359698 (cited by Women's Health and Genetics/Laboratory Corporation of America, LabCorp and Quest Diagnostics Nichols Institute San Juan Capistrano); PubMed 30811025 (cited by Women's Health and Genetics/Laboratory Corporation of America, LabCorp and Quest Diagnostics Nichols Institute San Juan Capistrano); PubMed 36167262 (cited by Women's Health and Genetics/Laboratory Corporation of America, LabCorp and Quest Diagnostics Nichols Institute San Juan Capistrano); PubMed 36325983 (cited by Women's Health and Genetics/Laboratory Corporation of America, LabCorp and Quest Diagnostics Nichols Institute San Juan Capistrano); PubMed 35309130 (cited by Women's Health and Genetics/Laboratory Corporation of America, LabCorp and Quest Diagnostics Nichols Institute San Juan Capistrano); PubMed 33604243 (cited by Women's Health and Genetics/Laboratory Corporation of America, LabCorp and Quest Diagnostics Nichols Institute San Juan Capistrano); PubMed 36866166 (cited by Quest Diagnostics Nichols Institute San Juan Capistrano); PubMed 8544841 (cited by Quest Diagnostics Nichols Institute San Juan Capistrano).

NM_000500.9(CYP21A2):c.-113G>A

Genes: CYP21A2 (cytochrome P450 family 21 subfamily A member 2; plus strand), LOC106780800 (CYP21A2 recombination region; plus strand), LOC110631417 (CYP21A2 5' regulatory region; plus strand). Cytogenetic location: 6p21.33.
Variant type: single nucleotide variant.
Coding change: c.-113G>A on transcript NM_000500.9 (MANE Select); 113 bases upstream of the start codon, G replaced by A.
Genome position (GRCh38, 1-based): chr6:32,038,310, G>A. VCF-style: chr6-32038310-G-A. GRCh37 (hg19) VCF-style: chr6-32006087-G-A.
Identifiers: ClinVar variation 987867 (VCV000987867.11), dbSNP rs1246774295, ClinGen allele CA449727835.
Genomic context (GRCh38, chr6:32,038,310, plus strand): 5'-AAGGCCAATGAGACTGGTGTCATTCCAGAAAAGGGCCACTCTGTGGGCGGGTCGGTGGGA[G>A]GGTACCTGAAGGTGGGGTCAAGGGAGGCCCCAAAACAGTCTACACAGCAGGAGGGATGGC-3'